The following is an entry in ClinVar:

ClinVar aggregate classification (germline): Benign/Likely benign. Review status: criteria provided, multiple submitters, no conflicts (2 of 4 stars). 3 submissions from 3 submitters: Benign (2); Likely benign (1). Last evaluated 2025-11-01.

Allele frequency attached by ClinVar (database versions not stated): 1000 Genomes Project 0.00140; 1000 Genomes Project 30x 0.00156; TOPMed 0.00325; gnomAD 0.00387 and 0.00405; ExAC 0.00403; ESP Exome Variant Server 0.00454.
gnomAD v4.1: 8,616 of 1,609,786 alleles (0.54%); highest among the groups gnomAD compares: Non-Finnish European, 0.67%; 31 homozygotes.

Submissions (3):

CeGaT Center for Human Genetics Tuebingen
Classification: Likely benign. Last evaluated: 2025-11-01. Review status: criteria provided, single submitter. Criteria: CeGaT Center For Human Genetics Tuebingen Variant Classification Criteria Version 2. Collection method: clinical testing. Allele origin: germline. Affected: yes. Observed: 2 variant alleles.
Comment: CELSR1: BP4, BP7, BS2

Labcorp Genetics (formerly Invitae), Labcorp
Classification: Benign. Last evaluated: 2019-12-31. Review status: criteria provided, single submitter. Criteria: Invitae Variant Classification Sherloc (09022015). Collection method: clinical testing. Allele origin: germline.

Breakthrough Genomics
Classification: Benign. Review status: criteria provided, single submitter. Criteria: ACMG Guidelines, 2015. Collection method: not provided. Allele origin: germline. Inheritance: Autosomal dominant inheritance. Affected: yes.

NM_001378328.1(CELSR1):c.1776G>A (p.Ala592=)

Gene: CELSR1 (cadherin EGF LAG seven-pass G-type receptor 1; minus strand). Cytogenetic location: 22q13.31.
Variant type: single nucleotide variant.
Coding change: c.1776G>A on transcript NM_001378328.1 (MANE Select); coding-DNA position 1776, G replaced by A.
Protein change: p.Ala592=; no amino-acid change (alanine 592 retained).
Molecular consequence: synonymous variant.
Genome position (GRCh38, 1-based): chr22:46,535,395, C>T on the plus strand (G>A on the coding strand, the complement: CELSR1 is on the minus strand). VCF-style: chr22-46535395-C-T. GRCh37 (hg19) VCF-style: chr22-46931292-C-T.
Other names: c.1776G>A, p.Ala592= (NM_014246.4).
Identifiers: ClinVar variation 782763 (VCV000782763.29), dbSNP rs61737812, ClinGen allele CA10295408.